The following is an entry in ClinVar:

NM_000284.4(PDHA1):c.1142_1164del (p.Asn381fs)

Gene: PDHA1 (pyruvate dehydrogenase E1 subunit alpha 1; plus strand). Cytogenetic location: Xp22.12.
Variant type: Deletion.
Coding change: c.1142_1164del on transcript NM_000284.4 (MANE Select); coding-DNA positions 1142 to 1164, 23 bases deleted (ATCAGTGGATCAAGTTTAAGTCA).
Protein change: p.Asn381fs; shifts the reading frame from asparagine 381.
Molecular consequence: frameshift variant.
Genome position (GRCh38, 1-based): chrX:19,359,622-19,359,644, ATCAGTGGATCAAGTTTAAGTCA deleted; deleting any 23 consecutive bases within chrX:19,359,620-19,359,644 gives the same sequence; the c. name uses the placement nearest the transcript's 3' end. VCF-style (leftmost placement, unchanged base first): chrX-19359619-CCAATCAGTGGATCAAGTTTAAGT-C. GRCh37 (hg19) VCF-style: chrX-19377737-CCAATCAGTGGATCAAGTTTAAGT-C.
Other names: c.1256_1278del, p.Asn419fs (NM_001173454.2); c.1163_1185del, p.Asn388fs (NM_001173455.2); c.1049_1071del, p.Asn350fs (NM_001173456.2); short protein forms N350fs, N381fs, N388fs, N419fs.
Identifiers: ClinVar variation 4070471 (VCV004070471.1).

ClinVar aggregate classification (germline): Pathogenic (0 of 4 stars; one submission).

Conditions:
Pyruvate dehydrogenase E1-alpha deficiency (PDHAD). Also called: ATAXIA, INTERMITTENT, WITH PYRUVATE DEHYDROGENASE DEFICIENCY; ATAXIA WITH LACTIC ACIDOSIS I; ATAXIA, INTERMITTENT, WITH ABNORMAL PYRUVATE METABOLISM; Ataxia, intermittent, with pyruvate dehydrogenase, or decarboxylase, deficiency. Identifiers: Orphanet 79243, MedGen C1839413, MONDO:0010717, OMIM 312170.

Submission:

PDHA1 Study Group, University Children’s Hospital, Paracelsus Medical University
Classification: Pathogenic for Pyruvate dehydrogenase E1-alpha deficiency. Last evaluated: 2024-10-15. Review status: no assertion criteria provided. Collection method: research. Allele origin: germline. Affected: yes. Observed: 1 variant allele.
Comment: The NM_000284.3:c.1142_1164del (p.Asn381SerfsTer43) change is a frameshift variant in PDHA1 gene. This variant is predicted to escape nonsense-mediated decay (NMD). The variant has been reported in 1 published case (PMIDs: 25356417). Last literature search: July 12, 2024. This variant is absent or extremely rare in population-based cohorts in the Genome Aggregation Database (gnomAD). Individuals harboring this variant presented with clinical features compatible with PDHA1-related PDHc deficiency. In summary, this variant meets criteria to be classified as pathogenic (P) for PDHA1-related PDHc deficiency based on the ACMG/AMP criteria applied: PS2, PM1, PM2, PM4, PM7 (last assessment October 15, 2024).

Literature cited by the submitters: PubMed 25356417; DOI 10.1093/brain/awaf430.